The following is an entry in ClinVar:

NM_022124.6(CDH23):c.6268C>T (p.Gln2090Ter)

Gene: CDH23 (cadherin related 23; plus strand). Cytogenetic location: 10q22.1.
Variant type: single nucleotide variant.
Coding change: c.6268C>T on transcript NM_022124.6 (MANE Select); coding-DNA position 6268, C replaced by T.
Protein change: p.Gln2090Ter; replaces glutamine 2090 with a stop codon.
Molecular consequence: nonsense.
Genome position (GRCh38, 1-based): chr10:71,793,196, C>T. VCF-style: chr10-71793196-C-T. GRCh37 (hg19) VCF-style: chr10-73552953-C-T.
Other names: short protein forms Q2090*.
Identifiers: ClinVar variation 4816089 (VCV004816089.1).

ClinVar aggregate classification (germline): Likely pathogenic (1 of 4 stars; one submission).

Conditions:
Usher syndrome type 1 (USH1). Also called: RETINITIS PIGMENTOSA AND CONGENITAL DEAFNESS. Identifiers: Orphanet 231169, Orphanet 886, MedGen C1568247, MONDO:0010168, OMIM 276900.

Submission:

Natera, Inc.
Classification: Likely pathogenic for Usher syndrome type 1. Last evaluated: 2025-08-27. Review status: criteria provided, single submitter. Criteria: Natera Variant Classification Schema (03/2026). Collection method: clinical testing. Allele origin: germline.
Comment: The c.6268C>T variant in CDH23 is a nonsense variant predicted to introduce a stop codon at amino acid 2090. This variant is expected to result in nonsense mediated decay, truncation, or a dysfunctional protein product. This variant is rare in the general population with a frequency below the threshold expected for the associated phenotype(s). Given the available evidence, this variant is classified as Likely Pathogenic.